The following is an entry in ClinVar:

ClinVar aggregate classification (germline): Uncertain significance (1 of 4 stars; one submission).

Conditions:
Ataxia-telangiectasia syndrome (AT). Also called: Ataxia-telangiectasia, complementation group D; AT, COMPLEMENTATION GROUP C; Ataxia-telangiectasia; Ataxia telangiectasia (A-T); Cerebello-oculocutaneous telangiectasia; Immunodeficiency with ataxia telangiectasia. Identifiers: Orphanet 100, MedGen C0004135, MONDO:0008840, OMIM 208900.

gnomAD v4.1: 1 of 1,613,220 alleles (0.000062%); highest among the groups gnomAD compares: East Asian, 0.0022%; no homozygotes.

Submission:

Labcorp Genetics (formerly Invitae), Labcorp
Classification: Uncertain significance for Ataxia-telangiectasia syndrome. Last evaluated: 2024-05-19. Review status: criteria provided, single submitter. Criteria: Invitae Variant Classification Sherloc (09022015). Collection method: clinical testing. Allele origin: germline.
Comment: This sequence change falls in intron 35 of the ATM gene. It does not directly change the encoded amino acid sequence of the ATM protein. It affects a nucleotide within the consensus splice site. This variant is present in population databases (no rsID available, gnomAD 0.006%). This variant has not been reported in the literature in individuals affected with ATM-related conditions. Variants that disrupt the consensus splice site are a relatively common cause of aberrant splicing (PMID: 17576681, 9536098). Algorithms developed to predict the effect of sequence changes on RNA splicing suggest that this variant is not likely to affect RNA splicing. In summary, the available evidence is currently insufficient to determine the role of this variant in disease. Therefore, it has been classified as a Variant of Uncertain Significance.

Literature cited by the submitters: PubMed 17576681; PubMed 9536098.

NM_000051.4(ATM):c.5319+4T>G

Gene: ATM (ATM serine/threonine kinase; plus strand). Cytogenetic location: 11q22.3.
Variant type: single nucleotide variant.
Coding change: c.5319+4T>G on transcript NM_000051.4 (MANE Select); 4 bases into the intron after coding-DNA position 5319, T replaced by G.
Molecular consequence: intron variant.
Genome position (GRCh38, 1-based): chr11:108,301,793, T>G. VCF-style: chr11-108301793-T-G. GRCh37 (hg19) VCF-style: chr11-108172520-T-G.
Other names: c.5319+4T>G (NM_001351834.2).
Identifiers: ClinVar variation 3606676 (VCV003606676.2).
Genomic context (GRCh38, chr11:108,301,793, plus strand): 5'-ATGACAACAGATCCAATGCTGGCCTATCTACAGCCTTTTAGAACATCAAGAAAAAAGGTC[T>G]CTTAAGTAATAAATGTTTATTGAATACCCAGCATATCTAAAACAGTTCTGTTTGCTGTGG-3'